The following is an entry in ClinVar:

NM_001106.4(ACVR2B):c.*7413T>C

Gene: ACVR2B (activin A receptor type 2B; plus strand). Cytogenetic location: 3p22.2.
Variant type: single nucleotide variant.
Coding change: c.*7413T>C on transcript NM_001106.4 (MANE Select); 7413 bases downstream of the stop codon, T replaced by C.
Molecular consequence: 3 prime UTR variant.
Genome position (GRCh38, 1-based): chr3:38,490,745, T>C. VCF-style: chr3-38490745-T-C. GRCh37 (hg19) VCF-style: chr3-38532236-T-C.
Identifiers: ClinVar variation 899442 (VCV000899442.4), dbSNP rs148351980, ClinGen allele CA72932854.

ClinVar aggregate classification (germline): Benign (1 of 4 stars; one submission).

Conditions:
Heterotaxy, visceral, 4, autosomal (HTX4). Identifiers: Orphanet 450, MedGen C3151057, MONDO:0013403, OMIM 613751.

Allele frequency attached by ClinVar (database versions not stated): 1000 Genomes Project 30x 0.00031; 1000 Genomes Project 0.00040; TOPMed 0.00078; gnomAD 0.00090 and 0.00091.

Submission:

Illumina Laboratory Services, Illumina
Classification: Benign for Heterotaxy, visceral, 4, autosomal. Last evaluated: 2018-01-13. Review status: criteria provided, single submitter. Criteria: ICSL Variant Classification Criteria 13 December 2019. Collection method: clinical testing. Allele origin: germline.
Comment: This variant was observed in the ICSL laboratory as part of a predisposition screen in an ostensibly healthy population. It had not been previously curated by ICSL or reported in the Human Gene Mutation Database (HGMD: prior to June 1st, 2018), and was therefore a candidate for classification through an automated scoring system. Utilizing variant allele frequency, disease prevalence and penetrance estimates, and inheritance mode, an automated score was calculated to assess if this variant is too frequent to cause the disease. Based on the score and internal cut-off values, a variant classified as benign is not then subjected to further curation. The score for this variant resulted in a classification of benign for this disease.